The following is an entry in ClinVar:

NM_001378454.1(ALMS1):c.10530_10531insGTCTTTCCAAGATTGGAAT (p.Trp3511fs)

Gene: ALMS1 (ALMS1 centrosome and basal body associated protein; plus strand). Cytogenetic location: 2p13.1.
Variant type: Insertion.
Coding change: c.10530_10531insGTCTTTCCAAGATTGGAAT on transcript NM_001378454.1 (MANE Select); coding-DNA positions 10530 to 10531, GTCTTTCCAAGATTGGAAT inserted.
Protein change: p.Trp3511fs; shifts the reading frame from tryptophan 3511.
Molecular consequence: frameshift variant.
Genome position: GRCh38 VCF-style: chr2-73572406-C-CTGTCTTTCCAAGATTGGAA. GRCh37 (hg19) VCF-style: chr2-73799533-C-CTGTCTTTCCAAGATTGGAA.
Other names: c.10533_10534insGTCTTTCCAAGATTGGAAT, p.Trp3512fs (NM_015120.4); c.10532_10533insTGTCTTTCCAAGATTGGAA (NM_015120.4); short protein forms W3511fs, W3512fs.
Identifiers: ClinVar variation 2629571 (VCV002629571.1), dbSNP rs2104104085, ClinGen allele CA2695200831.
Genomic context (GRCh38, chr2:73,572,406, plus strand): 5'-TACCAAGTGATCAAGATATTTGCCATGAATCTTTGGGAAAGAGTGTTTTCATGAGACATT[C>CTGTCTTTCCAAGATTGGAA]TTGGAAAGATTTCTTTCAGCATCATCCAGACAAACATAGAGAACACATGTGTCTTCCTCT-3'

ClinVar aggregate classification (germline): Pathogenic (1 of 4 stars; one submission).

Conditions:
ALMS1-related disorder. Also called: ALMS1-related condition.

Submission:

PreventionGenetics, part of Exact Sciences
Classification: Pathogenic for ALMS1-related condition. Last evaluated: 2022-10-10. Review status: criteria provided, single submitter. Criteria: ACMG Guidelines, 2015. Collection method: clinical testing. Allele origin: germline.
Comment: The ALMS1 c.10532_10533insTGTCTTTCCAAGATTGGAA variant is predicted to result in a frameshift and premature protein termination (p.Lys3511Asnfs*18). This variant, also known as c.10535ins(19), has been reported to be causative for Alstrom syndrome (Collin et al. 2002. PubMed ID: 11941369). This variant is reported in 0.00089% of alleles in individuals of European (Non-Finnish) descent in gnomAD. Frameshift variants in ALMS1 are expected to be pathogenic. This variant is interpreted as pathogenic.